The following is an entry in ClinVar:

NM_170784.3(MKKS):c.1363G>A (p.Glu455Lys)

Gene: MKKS (MKKS centrosomal shuttling protein; minus strand). Cytogenetic location: 20p12.2.
Variant type: single nucleotide variant.
Coding change: c.1363G>A on transcript NM_170784.3 (MANE Select); coding-DNA position 1363, G replaced by A.
Protein change: p.Glu455Lys; replaces glutamic acid 455 with lysine.
Molecular consequence: missense variant. On other transcripts: non-coding transcript variant (1).
Genome position (GRCh38, 1-based): chr20:10,405,597, C>T on the plus strand (G>A on the coding strand, the complement: MKKS is on the minus strand). VCF-style: chr20-10405597-C-T. GRCh37 (hg19) VCF-style: chr20-10386245-C-T.
Other names: c.1363G>A, p.Glu455Lys (NM_018848.3); c.1363G>A (NM_170784.2); short protein forms E455K.
Identifiers: ClinVar variation 852022 (VCV000852022.17), dbSNP rs149626732, ClinGen allele CA9763487.

ClinVar aggregate classification (germline): Uncertain significance. Review status: criteria provided, multiple submitters, no conflicts (2 of 4 stars). 10 submissions from 9 submitters: Uncertain significance (9). 1 of the submissions does not count toward it. Last evaluated 2025-11-25.

Conditions:
MKKS-related disorder. Also called: MKKS-related disorders; MKKS-related condition.
McKusick-Kaufman syndrome (MKKS). Also called: HYDROMETROCOLPOS SYNDROME; HYDROMETROCOLPOS, POSTAXIAL POLYDACTYLY, AND CONGENITAL HEART MALFORMATION. Identifiers: Orphanet 2473, MedGen C0948368, MONDO:0009367, OMIM 236700.
Bardet-Biedl syndrome 6 (BBS6). Identifiers: Orphanet 110, MedGen C1858054, MONDO:0011523, OMIM 605231.
Bardet-Biedl syndrome (BBS). Identifiers: Orphanet 110, MedGen C0752166, MONDO:0015229.

Allele frequency attached by ClinVar (database versions not stated): gnomAD exomes 0.00014 and 0.00026; ExAC 0.00016; TOPMed 0.00017; gnomAD 0.00019 and 0.00021; ESP Exome Variant Server 0.00023.

Submissions (10):

Dasa
Classification: Uncertain significance. Last evaluated: 2025-11-25. Review status: criteria provided, single submitter. Criteria: DASA Assertion Criteria. Collection method: clinical testing. Allele origin: germline.
Comment: NM_170784.3(MKKS):c.1363G>A (p.Glu455Lys) is a missense variant that results in the substitution of glutamic acid with lysine. This variant is rare in population databases. The currently available literature and clinical evidence are not sufficient to establish a definitive association between this variant and the reported condition. Therefore, this variant is classified as a variant of uncertain significance.

Blueprint Genetics
Classification: Uncertain significance. Last evaluated: 2024-08-09. Review status: criteria provided, single submitter. Criteria: ACMG Guidelines, 2015. Collection method: clinical testing. Allele origin: germline.

Fulgent Genetics
Classification: Uncertain significance for McKusick-Kaufman syndrome; Bardet-Biedl syndrome 6. Last evaluated: 2024-04-02. Review status: criteria provided, single submitter. Criteria: ACMG Guidelines, 2015. Collection method: clinical testing. Allele origin: germline.

GeneDx
Classification: Uncertain significance. Last evaluated: 2024-03-22. Review status: criteria provided, single submitter. Criteria: GeneDx Variant Classification Process June 2021. Collection method: clinical testing. Allele origin: germline. Affected: yes.
Comment: In silico analysis supports that this missense variant has a deleterious effect on protein structure/function; This variant is associated with the following publications: (PMID: 35886001)

Labcorp Genetics (formerly Invitae), Labcorp
Classification: Uncertain significance for McKusick-Kaufman syndrome; Bardet-Biedl syndrome. Last evaluated: 2022-10-13. Review status: criteria provided, single submitter. Criteria: Invitae Variant Classification Sherloc (09022015). Collection method: clinical testing. Allele origin: germline.
Comment: This sequence change replaces glutamic acid, which is acidic and polar, with lysine, which is basic and polar, at codon 455 of the MKKS protein (p.Glu455Lys). This variant is present in population databases (rs149626732, gnomAD 0.02%). This variant has not been reported in the literature in individuals affected with MKKS-related conditions. ClinVar contains an entry for this variant (Variation ID: 852022). Advanced modeling of protein sequence and biophysical properties (such as structural, functional, and spatial information, amino acid conservation, physicochemical variation, residue mobility, and thermodynamic stability) has been performed at Invitae for this missense variant, however the output from this modeling did not meet the statistical confidence thresholds required to predict the impact of this variant on MKKS protein function. In summary, the available evidence is currently insufficient to determine the role of this variant in disease. Therefore, it has been classified as a Variant of Uncertain Significance.

New York Genome Center
Classification: Uncertain significance for Bardet-Biedl syndrome 6; McKusick-Kaufman syndrome. Last evaluated: 2022-03-01. Review status: criteria provided, single submitter. Criteria: NYGC Assertion Criteria 2020. Collection method: clinical testing. Allele origin: germline. Observed: 1 heterozygote.

Department of Pathology and Laboratory Medicine, Sinai Health System
Classification: Uncertain significance for McKusick-Kaufman syndrome; Bardet-Biedl syndrome 6. Last evaluated: 2021-07-30. Review status: criteria provided, single submitter. Criteria: ACMG Guidelines, 2015. Collection method: research. Allele origin: germline.

Illumina Laboratory Services, Illumina
Classification: Uncertain significance for Bardet-Biedl syndrome 6. Last evaluated: 2018-01-13. Review status: criteria provided, single submitter. Criteria: ICSL Variant Classification Criteria 13 December 2019. Collection method: clinical testing. Allele origin: germline.

Illumina Laboratory Services, Illumina
Classification: Uncertain significance for McKusick-Kaufman syndrome. Last evaluated: 2018-01-13. Review status: criteria provided, single submitter. Criteria: ICSL Variant Classification Criteria 13 December 2019. Collection method: clinical testing. Allele origin: germline.

PreventionGenetics, part of Exact Sciences
Classification: Uncertain significance for MKKS-related condition. Last evaluated: 2024-07-16. Review status: no assertion criteria provided. Collection method: clinical testing. Allele origin: germline. Not counted in ClinVar's aggregate classification.
Comment: The MKKS c.1363G>A variant is predicted to result in the amino acid substitution p.Glu455Lys. This variant was previously reported as a variant of uncertain significance in an individual with suspected Bardet-Biedl syndrome; however, that individual was already homozygous for a pathogenic variant in BBS10 (Supplementary Data, Nasser et al. 2022. PubMed ID: 35886001). This variant is reported in 0.026% of alleles in individuals of European (Non-Finnish) descent in gnomAD. At this time, the clinical significance of this variant is uncertain due to the absence of conclusive functional and genetic evidence.